The following is an entry in ClinVar:

ClinVar aggregate classification (germline): Uncertain significance (1 of 4 stars; one submission).

Submission:

Women's Health and Genetics/Laboratory Corporation of America, LabCorp
Classification: Uncertain significance. Last evaluated: 2023-11-07. Review status: criteria provided, single submitter. Criteria: LabCorp Variant Classification Summary - May 2015. Collection method: clinical testing. Allele origin: germline.
Comment: Variant summary: SPRED1 c.1112G>C (p.Cys371Ser) results in a non-conservative amino acid change in the encoded protein sequence. Five of five in-silico tools predict a damaging effect of the variant on protein function. The variant was absent in 251200 control chromosomes (gnomAD). The available data on variant occurrences in the general population are insufficient to allow any conclusion about variant significance. To our knowledge, no occurrence of c.1112G>C in individuals affected with Neurofibromatosis Type 1-Like Syndrome (Legius Syndrome) and no experimental evidence demonstrating its impact on protein function have been reported. No submitters have reported clinical-significance assessments for this variant to ClinVar after 2014. Based on the evidence outlined above, the variant was classified as uncertain significance.

NM_152594.3(SPRED1):c.1112G>C (p.Cys371Ser)

Gene: SPRED1 (sprouty related EVH1 domain containing 1; plus strand). Cytogenetic location: 15q14.
Variant type: single nucleotide variant.
Coding change: c.1112G>C on transcript NM_152594.3 (MANE Select); coding-DNA position 1112, G replaced by C.
Protein change: p.Cys371Ser; replaces cysteine 371 with serine.
Molecular consequence: missense variant.
Genome position (GRCh38, 1-based): chr15:38,351,441, G>C. VCF-style: chr15-38351441-G-C. GRCh37 (hg19) VCF-style: chr15-38643642-G-C.
Other names: short protein forms C371S.
Identifiers: ClinVar variation 2682377 (VCV002682377.1), dbSNP rs1178736205, ClinGen allele CA391934177.